The following is an entry in ClinVar:

ClinVar aggregate classification (germline): Uncertain significance. Review status: criteria provided, multiple submitters, no conflicts (2 of 4 stars). 5 submissions from 5 submitters: Uncertain significance (5). Last evaluated 2026-05-19.

Conditions:
Cardiovascular phenotype. Identifiers: MedGen CN230736.
Cardiomyopathy (CMYO). Also called: Cardiomyopathies. Identifiers: Orphanet 167848, MedGen C0878544, MONDO:0004994, HP:0001638. Inheritance: Various modes of inheritance.
Arrhythmogenic right ventricular cardiomyopathy (ARVD). Also called: Arrhythmogenic cardiomyopathy; Arrhythmogenic Right Ventricular Cardiomyopathy (ARVC); Cardiomyopathy, ARVC; Arrhythmogenic right ventricular dysplasia. Identifiers: Orphanet 247, MedGen C0349788, MeSH D019571, MONDO:0016587. Disease mechanism: loss of function. Inheritance: Various modes of inheritance.
Arrhythmogenic right ventricular dysplasia 10. Also called: Arrhythmogenic Right Ventricular Dysplasia/Cardiomyopathy10; ARRHYTHMOGENIC RIGHT VENTRICULAR DYSPLASIA, FAMILIAL, 10; Arrhythmogenic right ventricular dysplasia/cardiomyopathy, type 10. Identifiers: MedGen C1857777, MONDO:0012434, OMIM 610193.

Allele frequency attached by ClinVar (database versions not stated): gnomAD 0.00001; TOPMed 0.00001; gnomAD exomes 0.00003; ESP Exome Variant Server 0.00008.
gnomAD v4.1: 39 of 1,614,044 alleles (0.0024%); highest among the groups gnomAD compares: Non-Finnish European, 0.0033%; no homozygotes.

Submissions (5):

GeneDx
Classification: Uncertain significance. Last evaluated: 2026-05-19. Review status: criteria provided, single submitter. Criteria: GeneDx Variant Classification Process June 2021. Collection method: clinical testing. Allele origin: germline.
Comment: Not observed at significant frequency in large population cohorts (gnomAD); In silico analysis supports a deleterious effect on splicing; Has not been previously published as pathogenic or benign to our knowledge

Labcorp Genetics (formerly Invitae), Labcorp
Classification: Uncertain significance for Arrhythmogenic right ventricular dysplasia 10. Last evaluated: 2025-12-03. Review status: criteria provided, single submitter. Criteria: Invitae Variant Classification Sherloc (09022015). Collection method: clinical testing. Allele origin: germline.
Comment: This sequence change falls in intron 6 of the DSG2 gene. It does not directly change the encoded amino acid sequence of the DSG2 protein. This variant is not present in population databases (gnomAD no frequency). This variant has not been reported in the literature in individuals affected with DSG2-related conditions. ClinVar contains an entry for this variant (Variation ID: 1756141). Algorithms developed to predict the effect of sequence changes on RNA splicing suggest that this variant may disrupt the consensus splice site. In summary, the available evidence is currently insufficient to determine the role of this variant in disease. Therefore, it has been classified as a Variant of Uncertain Significance.

Color Diagnostics, LLC DBA Color Health
Classification: Uncertain significance for Cardiomyopathy. Last evaluated: 2025-11-26. Review status: criteria provided, single submitter. Criteria: ACMG Guidelines, 2015. Collection method: clinical testing. Allele origin: germline.
Comment: This variant causes a T to A nucleotide substitution at the -5 position of intron 6 of the DSG2 gene. Splice site prediction tools predict that this variant may have a significant impact on RNA splicing, although this prediction has not been confirmed in published RNA studies. This variant has not been reported in individuals affected with DSG2-related disorders in the literature. This variant has been identified in 39/1614044 chromosomes in the general population by the Genome Aggregation Database (gnomAD). The available evidence is insufficient to determine the role of this variant in disease conclusively. Therefore, this variant is classified as a Variant of Uncertain Significance.

All of Us Research Program, National Institutes of Health
Classification: Uncertain significance for Arrhythmogenic right ventricular cardiomyopathy. Last evaluated: 2024-03-05. Review status: criteria provided, single submitter. Criteria: ACMG Guidelines, 2015. Collection method: clinical testing. Allele origin: germline. Inheritance: Autosomal dominant inheritance. Observed: 1 variant allele, 1 heterozygote.
Comment: This study involves interpretation of variants in research participants for the purpose of population health screening. Participant phenotype was not available at the time of variant classification. Additional details can be found in publication PMID: 35346344, PMCID: PMC8962531

Ambry Genetics
Classification: Uncertain significance for Cardiovascular phenotype. Last evaluated: 2022-11-02. Review status: criteria provided, single submitter. Criteria: Ambry Variant Classification Scheme 2023. Collection method: clinical testing. Allele origin: germline.
Comment: The c.691-5T>A intronic variant results from a T to A substitution 5 nucleotides upstream from coding exon 7 in the DSG2 gene. This nucleotide position is well conserved in available vertebrate species. In silico splice site analysis predicts that this alteration may weaken the native splice acceptor site and will result in the creation or strengthening of a novel splice acceptor site. Since supporting evidence is limited at this time, the clinical significance of this alteration remains unclear.

NM_001943.5(DSG2):c.691-5T>A

Gene: DSG2 (desmoglein 2; plus strand). Cytogenetic location: 18q12.1.
Variant type: single nucleotide variant.
Coding change: c.691-5T>A on transcript NM_001943.5 (MANE Select); 5 bases into the intron before coding-DNA position 691, T replaced by A.
Molecular consequence: intron variant.
Genome position (GRCh38, 1-based): chr18:31,524,443, T>A. VCF-style: chr18-31524443-T-A. GRCh37 (hg19) VCF-style: chr18-29104406-T-A.
Identifiers: ClinVar variation 1756141 (VCV001756141.13), dbSNP rs375218383, ClinGen allele CA297731820.